The following is an entry in ClinVar:

NM_000091.5(COL4A3):c.2311G>A (p.Gly771Arg)

Genes: COL4A3 (collagen type IV alpha 3 chain; plus strand), MFF-DT (MFF divergent transcript; minus strand). Cytogenetic location: 2q36.3.
Variant type: single nucleotide variant.
Coding change: c.2311G>A on transcript NM_000091.5 (MANE Select); coding-DNA position 2311, G replaced by A.
Protein change: p.Gly771Arg; replaces glycine 771 with arginine.
Molecular consequence: missense variant.
Genome position (GRCh38, 1-based): chr2:227,280,527, G>A. VCF-style: chr2-227280527-G-A. GRCh37 (hg19) VCF-style: chr2-228145243-G-A.
Other names: short protein forms G771R.
Identifiers: ClinVar variation 4817217 (VCV004817217.3).

ClinVar aggregate classification (germline): Likely pathogenic. Review status: criteria provided, multiple submitters, no conflicts (2 of 4 stars). 2 submissions from 2 submitters: Likely pathogenic (2). Last evaluated 2025-09-17.

Conditions:
Alport syndrome. Also called: Hemorrhagic familial nephritis; Hemorrhagic hereditary nephritis; Congenital hereditary hematuria. Identifiers: Orphanet 63, MedGen C1567741, MONDO:0018965.
Alport syndrome 3b, autosomal recessive. Identifiers: MedGen C5882699, MONDO:0957811, OMIM 620536.

gnomAD v4.1: 1 of 1,614,078 alleles (0.000062%); highest among the groups gnomAD compares: Non-Finnish European, 0.000085%; no homozygotes.

Submissions (2):

Natera, Inc.
Classification: Likely pathogenic for Alport syndrome. Last evaluated: 2025-09-17. Review status: criteria provided, single submitter. Criteria: Natera Variant Classification Schema (03/2026). Collection method: clinical testing. Allele origin: germline.
Comment: The c.2311G>A variant in COL4A3 is a missense variant predicted to cause substitution of glycine to arginine at amino acid 771. This variant is rare in the general population with a frequency below the threshold expected for the associated phenotype(s). This variant has been observed in one or more individuals affected with the associated recessive disease, as either homozygous or compound heterozygous with a second variant (PMID: 33772369). This variant is located in a functionally critical region of the protein. Computational prediction algorithms indicate this variant is likely to affect gene or protein function. Given the available evidence, this variant is classified as Likely Pathogenic.

Juno Genomics, Hangzhou Juno Genomics, Inc
Classification: Likely pathogenic for Alport syndrome 3b, autosomal recessive. Review status: criteria provided, single submitter. Criteria: ACMG Guidelines, 2015. Collection method: clinical testing. Allele origin: germline.
Comment: Absent from controls (or at extremely low frequency if recessive) in Genome Aggregation Database.;Multiple lines of computational evidence support a deleterious effect on the gene or gene product.;For recessive disorders, detected in trans with a pathogenic variant.;Patient's phenotype or family history is highly specific for a disease with a single genetic etiology.

Literature cited by the submitters: PubMed 33772369 (cited by Natera, Inc.).